The following is an entry in ClinVar:

NM_001364886.1(RGS7):c.609+46G>A

Gene: RGS7 (regulator of G protein signaling 7; minus strand). Cytogenetic location: 1q43.
Variant type: single nucleotide variant.
Coding change: c.609+46G>A on transcript NM_001364886.1 (MANE Select); 46 bases into the intron after coding-DNA position 609, G replaced by A.
Molecular consequence: intron variant.
Genome position (GRCh38, 1-based): chr1:240,868,541, C>T on the plus strand (G>A on the coding strand, the complement: RGS7 is on the minus strand). VCF-style: chr1-240868541-C-T. GRCh37 (hg19) VCF-style: chr1-241031841-C-T.
Other names: c.558+46G>A (NM_001374806.1, NM_001374807.1); c.450+46G>A (NM_001374811.1, NM_001374814.1, NM_001282773.2); c.97-41369G>A (NM_001374813.1); c.609+46G>A (NM_001374812.1, NM_001374816.1, NM_001374815.1 and 3 more transcripts); c.330+46G>A (NM_001374809.1, NM_001374810.1); c.531+46G>A (NM_001374808.1, NM_001350114.2, NM_001350115.2 and 2 more transcripts).
Identifiers: ClinVar variation 3250539 (VCV003250539.18), dbSNP rs181453607.

ClinVar aggregate classification (germline): Likely benign (1 of 4 stars; one submission).

Allele frequency attached by ClinVar (database versions not stated): 1000 Genomes Project 30x 0.00109; 1000 Genomes Project 0.00140; TOPMed 0.00309; gnomAD 0.00322; ESP Exome Variant Server 0.00361; ExAC 0.00412.
gnomAD v4.1: 8,003 of 1,570,238 alleles (0.51%); highest among the groups gnomAD compares: Non-Finnish European, 0.6%; 44 homozygotes.

Submission:

CeGaT Center for Human Genetics Tuebingen
Classification: Likely benign. Last evaluated: 2024-06-01. Review status: criteria provided, single submitter. Criteria: CeGaT Center For Human Genetics Tuebingen Variant Classification Criteria Version 2. Collection method: clinical testing. Allele origin: germline. Affected: yes. Observed: 1 variant allele.
Comment: RGS7: BS2